The following is an entry in ClinVar:

ClinVar aggregate classification (germline): Uncertain significance (1 of 4 stars; one submission).

Submission:

Athena Diagnostics
Classification: Uncertain significance. Last evaluated: 2023-11-21. Review status: criteria provided, single submitter. Criteria: Athena Diagnostics Criteria. Collection method: clinical testing. Allele origin: unknown.
Comment: Available data are insufficient to determine the clinical significance of the variant at this time. At least one other missense variant at this codon is considered to be pathogenic or likely pathogenic, suggesting this variant may also cause disease. This variant has not been reported in large, multi-ethnic general populations. Computational tools predict that this variant is damaging.

NM_006946.4(SPTBN2):c.1438C>G (p.Arg480Gly)

Gene: SPTBN2 (spectrin beta, non-erythrocytic 2; minus strand). Cytogenetic location: 11q13.2.
Variant type: single nucleotide variant.
Coding change: c.1438C>G on transcript NM_006946.4 (MANE Select); coding-DNA position 1438, C replaced by G.
Protein change: p.Arg480Gly; replaces arginine 480 with glycine.
Molecular consequence: missense variant.
Genome position (GRCh38, 1-based): chr11:66,707,731, G>C on the plus strand (C>G on the coding strand, the complement: SPTBN2 is on the minus strand). VCF-style: chr11-66707731-G-C. GRCh37 (hg19) VCF-style: chr11-66475202-G-C.
Other names: c.1459C>G, p.Arg487Gly (NM_001411025.1); short protein forms R480G, R487G.
Identifiers: ClinVar variation 3571981 (VCV003571981.1).
Genomic context (GRCh38, chr11:66,707,731, plus strand): 5'-TGATGTCGTGGTAGCGCTCGGCGGCCAGCTCTGCAGCCACGGCGTCCACTGCCTGCACCC[G>C]GCCGCTGTAGGCCACGATGTCCGTCTCAATGGCTTCGTGCTTCCGTACTGCTGCCTCGAC-3'
Protein context (NP_008877.2, residues 470-490): IETDIVAYSG[Arg480Gly]VQAVDAVAAE